The following is an entry in ClinVar:

ClinVar aggregate classification (germline): Benign/Likely benign. Review status: criteria provided, multiple submitters, no conflicts (2 of 4 stars). 3 submissions from 3 submitters: Benign (2); Likely benign (1). Last evaluated 2026-01-28.

Allele frequency attached by ClinVar (database versions not stated): gnomAD exomes 0.00051 and 0.00128; ExAC 0.00171; gnomAD 0.00533 and 0.00569; ESP Exome Variant Server 0.00615; TOPMed 0.00638; 1000 Genomes Project 30x 0.00656; 1000 Genomes Project 0.00699.
gnomAD v4.1: 1,576 of 1,614,114 alleles (0.098%); highest among the groups gnomAD compares: African/African-American, 1.9%; 10 homozygotes.

Submissions (3):

Labcorp Genetics (formerly Invitae), Labcorp
Classification: Benign. Last evaluated: 2026-01-28. Review status: criteria provided, single submitter. Criteria: Invitae Variant Classification Sherloc (09022015). Collection method: clinical testing. Allele origin: germline.

Blueprint Genetics
Classification: Likely benign. Last evaluated: 2024-10-15. Review status: criteria provided, single submitter. Criteria: ACMG Guidelines, 2015. Collection method: clinical testing. Allele origin: germline.

GeneDx
Classification: Benign. Last evaluated: 2011-07-18. Review status: criteria provided, single submitter. Criteria: GeneDx Variant Classification (06012015). Collection method: clinical testing. Allele origin: germline. Affected: yes.
Comment: This variant is considered likely benign or benign based on one or more of the following criteria: it is a conservative change, it occurs at a poorly conserved position in the protein, it is predicted to be benign by multiple in silico algorithms, and/or has population frequency not consistent with disease.

NM_000350.3(ABCA4):c.570+20C>T

Gene: ABCA4 (ATP binding cassette subfamily A member 4; minus strand). Cytogenetic location: 1p22.1.
Variant type: single nucleotide variant.
Coding change: c.570+20C>T on transcript NM_000350.3 (MANE Select); 20 bases into the intron after coding-DNA position 570, C replaced by T.
Molecular consequence: intron variant.
Genome position (GRCh38, 1-based): chr1:94,102,995, G>A on the plus strand (C>T on the coding strand, the complement: ABCA4 is on the minus strand). VCF-style: chr1-94102995-G-A. GRCh37 (hg19) VCF-style: chr1-94568551-G-A.
Identifiers: ClinVar variation 136237 (VCV000136237.11), dbSNP rs78637152, ClinGen allele CA289213.
Genomic context (GRCh38, chr1:94,102,995, plus strand): 5'-AAGCCAATATATTTCTTGCCTTTCTCAGGCTGGGTGCTTCCCTCCCCTCCAGGGACCACT[G>A]GCCAGTGACATCCCCCTACCTGCTCTGGACGGACTTGAGAGTTGATCAGAAGGTAGACCA-3'